The following is an entry in ClinVar:

NM_003803.4(MYOM1):c.2999A>G (p.Asn1000Ser)

Gene: MYOM1 (myomesin 1; minus strand). Cytogenetic location: 18p11.31.
Variant type: single nucleotide variant.
Coding change: c.2999A>G on transcript NM_003803.4 (MANE Select); coding-DNA position 2999, A replaced by G.
Protein change: p.Asn1000Ser; replaces asparagine 1000 with serine.
Molecular consequence: missense variant.
Genome position (GRCh38, 1-based): chr18:3,119,988, T>C on the plus strand (A>G on the coding strand, the complement: MYOM1 is on the minus strand). VCF-style: chr18-3119988-T-C. GRCh37 (hg19) VCF-style: chr18-3119986-T-C.
Other names: c.2711A>G, p.Asn904Ser (NM_019856.2); short protein forms N1000S, N904S.
Identifiers: ClinVar variation 2147390 (VCV002147390.4), dbSNP rs1483195143, ClinGen allele CA401707652.
Genomic context (GRCh38, chr18:3,119,988, plus strand): 5'-CCCAGCCCAGCCATGTTCATGGCTGCCACTTGGAACTGATACACCATGTTTTCCTTCAAG[T>C]TGCTAATCTGCAACATTGACAACATCACAGATACTGAATGTTCCAGGTTTGTTTTTTTTT-3'
Protein context (NP_003794.3, residues 990-1010): AVSEEAYKIS[Asn1000Ser]LKENMVYQFQ

ClinVar aggregate classification (germline): Uncertain significance (1 of 4 stars; one submission).

Conditions:
Hypertrophic cardiomyopathy. Also called: HYPERTROPHIC MYOCARDIOPATHY. Identifiers: Orphanet 217569, MedGen C0007194, MeSH D002312, MONDO:0005045, HP:0001639.

gnomAD v4.1: 9 of 1,597,700 alleles (0.00056%); highest among the groups gnomAD compares: Non-Finnish European, 0.00077%; no homozygotes.

Submission:

Labcorp Genetics (formerly Invitae), Labcorp
Classification: Uncertain significance for Hypertrophic cardiomyopathy. Last evaluated: 2025-10-28. Review status: criteria provided, single submitter. Criteria: Invitae Variant Classification Sherloc (09022015). Collection method: clinical testing. Allele origin: germline.
Comment: This sequence change replaces asparagine, which is neutral and polar, with serine, which is neutral and polar, at codon 1000 of the MYOM1 protein (p.Asn1000Ser). This variant is present in population databases (no rsID available, gnomAD 0.002%). This variant has not been reported in the literature in individuals affected with MYOM1-related conditions. ClinVar contains an entry for this variant (Variation ID: 2147390). Invitae Evidence Modeling of protein sequence and biophysical properties (such as structural, functional, and spatial information, amino acid conservation, physicochemical variation, residue mobility, and thermodynamic stability) indicates that this missense variant is not expected to disrupt MYOM1 protein function with a negative predictive value of 80%. In summary, the available evidence is currently insufficient to determine the role of this variant in disease. Therefore, it has been classified as a Variant of Uncertain Significance.